The following is an entry in ClinVar:

ClinVar aggregate classification (germline): Uncertain significance (1 of 4 stars; one submission).

Conditions:
Inborn genetic diseases. Identifiers: MedGen C0950123, MeSH D030342.

Submission:

Ambry Genetics
Classification: Uncertain significance for Inborn genetic diseases. Last evaluated: 2022-05-21. Review status: criteria provided, single submitter. Criteria: Ambry Variant Classification Scheme 2023. Collection method: clinical testing. Allele origin: germline.
Comment: The p.F2451C variant (also known as c.7352T>G), located in coding exon 49 of the LRRK2 gene, results from a T to G substitution at nucleotide position 7352. The phenylalanine at codon 2451 is replaced by cysteine, an amino acid with highly dissimilar properties. This amino acid position is conserved. In addition, the in silico prediction for this alteration is inconclusive. Since supporting evidence is limited at this time, the clinical significance of this alteration remains unclear.

NM_198578.4(LRRK2):c.7352T>G (p.Phe2451Cys)

Gene: LRRK2 (leucine rich repeat kinase 2; plus strand). Cytogenetic location: 12q12.
Variant type: single nucleotide variant.
Coding change: c.7352T>G on transcript NM_198578.4 (MANE Select); coding-DNA position 7352, T replaced by G.
Protein change: p.Phe2451Cys; replaces phenylalanine 2451 with cysteine.
Molecular consequence: missense variant.
Genome position (GRCh38, 1-based): chr12:40,365,012, T>G. VCF-style: chr12-40365012-T-G. GRCh37 (hg19) VCF-style: chr12-40758814-T-G.
Other names: short protein forms F2451C.
Identifiers: ClinVar variation 1758458 (VCV001758458.2), dbSNP rs1592352420, ClinGen allele CA384415292.